The following is an entry in ClinVar:

NM_001365276.2(TNXB):c.7480G>A (p.Val2494Met)

Gene: TNXB (tenascin XB; minus strand). Cytogenetic location: 6p21.33.
Variant type: single nucleotide variant.
Coding change: c.7480G>A on transcript NM_001365276.2 (MANE Select); coding-DNA position 7480, G replaced by A.
Protein change: p.Val2494Met; replaces valine 2494 with methionine.
Molecular consequence: missense variant.
Genome position (GRCh38, 1-based): chr6:32,061,409, C>T on the plus strand (G>A on the coding strand, the complement: TNXB is on the minus strand). VCF-style: chr6-32061409-C-T. GRCh37 (hg19) VCF-style: chr6-32029186-C-T.
Other names: c.8221G>A, p.Val2741Met (NM_001428335.1); c.7480G>A, p.Val2494Met (NM_019105.8); short protein forms V2494M, V2741M.
Identifiers: ClinVar variation 3227319 (VCV003227319.1), dbSNP rs376551751, ClinGen allele CA3734142.

ClinVar aggregate classification (germline): Uncertain significance (1 of 4 stars; one submission).

Conditions:
Cardiovascular phenotype. Identifiers: MedGen CN230736.

Allele frequency attached by ClinVar (database versions not stated): TOPMed 0.00003; ExAC 0.00004; gnomAD 0.00004; ESP Exome Variant Server 0.00013.
gnomAD v4.1: 26 of 1,612,516 alleles (0.0016%); highest among the groups gnomAD compares: Middle Eastern, 0.017%; no homozygotes.

Submission:

Ambry Genetics
Classification: Uncertain significance for Cardiovascular phenotype. Last evaluated: 2024-02-01. Review status: criteria provided, single submitter. Criteria: Ambry Variant Classification Scheme 2023. Collection method: clinical testing. Allele origin: germline.
Comment: The p.V2494M variant (also known as c.7480G>A), located in coding exon 20 of the TNXB gene, results from a G to A substitution at nucleotide position 7480. The valine at codon 2494 is replaced by methionine, an amino acid with highly similar properties. This amino acid position is conserved. In addition, this alteration is predicted to be tolerated by in silico analysis. Based on the available evidence, the clinical significance of this alteration remains unclear.